The following is an entry in ClinVar:

NM_052947.4(ALPK2):c.1561G>T (p.Gly521Trp)

Gene: ALPK2 (alpha kinase 2; minus strand). Cytogenetic location: 18q21.31.
Variant type: single nucleotide variant.
Coding change: c.1561G>T on transcript NM_052947.4 (MANE Select); coding-DNA position 1561, G replaced by T.
Protein change: p.Gly521Trp; replaces glycine 521 with tryptophan.
Molecular consequence: missense variant.
Genome position (GRCh38, 1-based): chr18:58,579,215, C>A on the plus strand (G>T on the coding strand, the complement: ALPK2 is on the minus strand). VCF-style: chr18-58579215-C-A. GRCh37 (hg19) VCF-style: chr18-56246447-C-A.
Other names: short protein forms G521W.
Identifiers: ClinVar variation 1775278 (VCV001775278.3), dbSNP rs758713621, ClinGen allele CA8977225.

ClinVar aggregate classification (germline): Uncertain significance (1 of 4 stars; one submission).

Submission:

Ambry Genetics
Classification: Uncertain significance. Last evaluated: 2024-07-15. Review status: criteria provided, single submitter. Criteria: Ambry Variant Classification Scheme 2023. Collection method: clinical testing. Allele origin: germline.
Comment: The p.G521W variant (also known as c.1561G>T), located in coding exon 3 of the ALPK2 gene, results from a G to T substitution at nucleotide position 1561. The glycine at codon 521 is replaced by tryptophan, an amino acid with highly dissimilar properties. This amino acid position is conserved. In addition, this alteration is predicted to be tolerated by in silico analysis. Since supporting evidence is limited at this time, the clinical significance of this alteration remains unclear.